The following is an entry in ClinVar:

ClinVar aggregate classification (germline): Uncertain significance (1 of 4 stars; one submission).

Allele frequency attached by ClinVar (database versions not stated): gnomAD exomes below 0.00001.

Submission:

Ambry Genetics
Classification: Uncertain significance. Last evaluated: 2021-09-13. Review status: criteria provided, single submitter. Criteria: Ambry Variant Classification Scheme 2023. Collection method: clinical testing. Allele origin: germline.
Comment: The p.A1003V variant (also known as c.3008C>T), located in coding exon 16 of the POLQ gene, results from a C to T substitution at nucleotide position 3008. The alanine at codon 1003 is replaced by valine, an amino acid with similar properties. This amino acid position is conserved. In addition, this alteration is predicted to be tolerated by in silico analysis. Since supporting evidence is limited at this time, the clinical significance of this alteration remains unclear.

NM_199420.4(POLQ):c.3008C>T (p.Ala1003Val)

Gene: POLQ (DNA polymerase theta; minus strand). Cytogenetic location: 3q13.33.
Variant type: single nucleotide variant.
Coding change: c.3008C>T on transcript NM_199420.4 (MANE Select); coding-DNA position 3008, C replaced by T.
Protein change: p.Ala1003Val; replaces alanine 1003 with valine.
Molecular consequence: missense variant.
Genome position (GRCh38, 1-based): chr3:121,489,923, G>A on the plus strand (C>T on the coding strand, the complement: POLQ is on the minus strand). VCF-style: chr3-121489923-G-A. GRCh37 (hg19) VCF-style: chr3-121208770-G-A.
Other names: short protein forms A1003V.
Identifiers: ClinVar variation 1798762 (VCV001798762.2), dbSNP rs2546787921, ClinGen allele CA354103476.